The following is an entry in ClinVar:

NM_000051.4(ATM):c.8638G>A (p.Glu2880Lys)

Genes: ATM (ATM serine/threonine kinase; plus strand), C11orf65 (chromosome 11 open reading frame 65; minus strand). Cytogenetic location: 11q22.3.
Variant type: single nucleotide variant.
Coding change: c.8638G>A on transcript NM_000051.4 (MANE Select); coding-DNA position 8638, G replaced by A.
Protein change: p.Glu2880Lys; replaces glutamic acid 2880 with lysine.
Molecular consequence: missense variant. On other transcripts: intron variant (2).
Genome position (GRCh38, 1-based): chr11:108,347,332, G>A. VCF-style: chr11-108347332-G-A. GRCh37 (hg19) VCF-style: chr11-108218059-G-A.
Other names: c.8638G>A, p.Glu2880Lys (NM_001351834.2); c.641-38261C>T (NM_001330368.2); c.695-12040C>T (NM_001351110.2); short protein forms E2880K.
Identifiers: ClinVar variation 1515874 (VCV001515874.7), dbSNP rs771930635, ClinGen allele CA382520923.

ClinVar aggregate classification (germline): Uncertain significance (1 of 4 stars; one submission).

Conditions:
Ataxia-telangiectasia syndrome (AT). Also called: LOUIS-BAR SYNDROME; Cerebello-oculocutaneous telangiectasia; Immunodeficiency with ataxia telangiectasia; Ataxia telangiectasia (A-T); Ataxia-telangiectasia, complementation group D; AT, COMPLEMENTATION GROUP C. Identifiers: Orphanet 100, MedGen C0004135, MONDO:0008840, OMIM 208900.

Submission:

Labcorp Genetics (formerly Invitae), Labcorp
Classification: Uncertain significance for Ataxia-telangiectasia syndrome. Last evaluated: 2024-04-15. Review status: criteria provided, single submitter. Criteria: Invitae Variant Classification Sherloc (09022015). Collection method: clinical testing. Allele origin: germline.
Comment: This sequence change replaces glutamic acid, which is acidic and polar, with lysine, which is basic and polar, at codon 2880 of the ATM protein (p.Glu2880Lys). This variant is not present in population databases (gnomAD no frequency). This variant has not been reported in the literature in individuals affected with ATM-related conditions. ClinVar contains an entry for this variant (Variation ID: 1515874). An algorithm developed to predict the effect of missense changes on protein structure and function (PolyPhen-2) suggests that this variant is likely to be disruptive. In summary, the available evidence is currently insufficient to determine the role of this variant in disease. Therefore, it has been classified as a Variant of Uncertain Significance.